The following is an entry in ClinVar:

ClinVar aggregate classification (germline): Benign. Review status: criteria provided, multiple submitters, no conflicts (2 of 4 stars). 2 submissions from 2 submitters: Benign (2). Last evaluated 2021-02-26.

Allele frequency attached by ClinVar (database versions not stated): ESP Exome Variant Server 0.58796; gnomAD 0.60572 and 0.61556; gnomAD exomes 0.62099 and 0.65826; TOPMed 0.62120; ExAC 0.65203; 1000 Genomes Project 30x 0.69706; 1000 Genomes Project 0.70088.

Submissions (2):

GeneDx
Classification: Benign. Last evaluated: 2021-02-26. Review status: criteria provided, single submitter. Criteria: GeneDx Variant Classification Process June 2021. Collection method: clinical testing. Allele origin: germline. Affected: yes.
Comment: This variant is associated with the following publications: (PMID: 25264005)

Breakthrough Genomics
Classification: Benign. Review status: criteria provided, single submitter. Criteria: ACMG Guidelines, 2015. Collection method: not provided. Allele origin: germline. Inheritance: Unknown mechanism. Affected: yes.

NM_003840.5(TNFRSF10D):c.929T>C (p.Leu310Ser)

Gene: TNFRSF10D (TNF receptor superfamily member 10d; minus strand). Cytogenetic location: 8p21.3.
Variant type: single nucleotide variant.
Coding change: c.929T>C on transcript NM_003840.5 (MANE Select); coding-DNA position 929, T replaced by C.
Protein change: p.Leu310Ser; replaces leucine 310 with serine.
Molecular consequence: missense variant.
Genome position (GRCh38, 1-based): chr8:23,144,475, A>G on the plus strand (T>C on the coding strand, the complement: TNFRSF10D is on the minus strand). VCF-style: chr8-23144475-A-G. GRCh37 (hg19) VCF-style: chr8-23001988-A-G.
Other names: short protein forms L310S.
Identifiers: ClinVar variation 1263607 (VCV001263607.3), dbSNP rs1133782, ClinGen allele CA4674157.